The following is an entry in ClinVar:

NM_025114.4(CEP290):c.5083G>T (p.Asp1695Tyr)

Gene: CEP290 (centrosomal protein 290; minus strand). Cytogenetic location: 12q21.32.
Variant type: single nucleotide variant.
Coding change: c.5083G>T on transcript NM_025114.4 (MANE Select); coding-DNA position 5083, G replaced by T.
Protein change: p.Asp1695Tyr; replaces aspartic acid 1695 with tyrosine.
Molecular consequence: missense variant.
Genome position (GRCh38, 1-based): chr12:88,080,325, C>A on the plus strand (G>T on the coding strand, the complement: CEP290 is on the minus strand). VCF-style: chr12-88080325-C-A. GRCh37 (hg19) VCF-style: chr12-88474102-C-A.
Other names: short protein forms D1695Y.
Identifiers: ClinVar variation 646297 (VCV000646297.5), dbSNP rs1209477107, ClinGen allele CA385991402.
Genomic context (GRCh38, chr12:88,080,325, plus strand): 5'-TTGCTTCTTTTTGAGCCTGAAGTTCAGATTTTAAACACTGTGACTCCTTTTGTGACTGGT[C>A]CAGAAGATACTTTAAATCCTCTACTTCCGCTTTTACTTTTTTCACTTCATCTTCATGGTT-3'
Protein context (NP_079390.3, residues 1685-1705): AEVEDLKYLL[Asp1695Tyr]QSQKESQCLK

ClinVar aggregate classification (germline): Uncertain significance (1 of 4 stars; one submission).

Conditions:
Meckel-Gruber syndrome. Also called: Dysencephalia splachnocystica; DYSENCEPHALIA SPLANCHNOCYSTICA; GRUBER SYNDROME. Identifiers: Orphanet 564, MedGen C0265215, MONDO:0018921.
Nephronophthisis. Also called: Juvenile Nephronophthisis. Identifiers: Orphanet 655, MedGen C0687120, MONDO:0019005, HP:0000090.
Joubert syndrome. Also called: Familial aplasia of the vermis; CEREBELLOPARENCHYMAL DISORDER IV; JOUBERT-BOLTSHAUSER SYNDROME. Identifiers: Orphanet 475, MedGen C5979921, MONDO:0018772.

Allele frequency attached by ClinVar (database versions not stated): gnomAD exomes below 0.00001.
gnomAD v4.1: 1 of 1,613,672 alleles (0.000062%); highest among the groups gnomAD compares: South Asian, 0.0011%; no homozygotes.

Submission:

Labcorp Genetics (formerly Invitae), Labcorp
Classification: Uncertain significance for Joubert syndrome; Meckel-Gruber syndrome; Nephronophthisis. Last evaluated: 2021-09-01. Review status: criteria provided, single submitter. Criteria: Invitae Variant Classification Sherloc (09022015). Collection method: clinical testing. Allele origin: germline.
Comment: This sequence change replaces aspartic acid with tyrosine at codon 1695 of the CEP290 protein (p.Asp1695Tyr). The aspartic acid residue is weakly conserved and there is a large physicochemical difference between aspartic acid and tyrosine. This variant is not present in population databases (ExAC no frequency). This variant has not been reported in the literature in individuals affected with CEP290-related conditions. Algorithms developed to predict the effect of missense changes on protein structure and function (SIFT, PolyPhen-2, Align-GVGD) all suggest that this variant is likely to be tolerated. In summary, the available evidence is currently insufficient to determine the role of this variant in disease. Therefore, it has been classified as a Variant of Uncertain Significance.